The following is an entry in ClinVar:

NM_001715.3(BLK):c.-46A>G

Genes: BLK (BLK proto-oncogene, Src family tyrosine kinase), LOC126860302 (CDK7 strongly-dependent group 2 enhancer GRCh37_chr8:11351829-11353028). Cytogenetic location: 8p23.1.
Variant type: single nucleotide variant.
Coding change: c.-46A>G on transcript NM_001715.3 (MANE Select); 46 bases upstream of the start codon, A replaced by G.
Molecular consequence: 5 prime UTR variant.
Genome position (GRCh38, 1-based): chr8:11,494,547, A>G. VCF-style: chr8-11494547-A-G. GRCh37 (hg19) VCF-style: chr8-11352056-A-G.
Other names: c.-135A>G (NM_001330465.2).
Identifiers: ClinVar variation 361471 (VCV000361471.7), dbSNP rs2250788, ClinGen allele CA10626822.

ClinVar aggregate classification (germline): Benign. Review status: criteria provided, multiple submitters, no conflicts (2 of 4 stars). 3 submissions from 3 submitters: Benign (3). Last evaluated 2018-01-13.

Conditions:
Maturity-onset diabetes of the young type 11. Identifiers: Orphanet 552, MedGen C3150618, MONDO:0013242, OMIM 613375.

Allele frequency attached by ClinVar (database versions not stated): gnomAD 0.82213 and 0.82234; gnomAD exomes 0.82353; 1000 Genomes Project 0.82368; 1000 Genomes Project 30x 0.82792; TOPMed 0.83360.
gnomAD v4.1: 125,036 of 152,266 alleles (82%); highest among the groups gnomAD compares: Admixed American, 86%; 51,518 homozygotes.

Submissions (3):

Illumina Laboratory Services, Illumina
Classification: Benign for Maturity-onset diabetes of the young type 11. Last evaluated: 2018-01-13. Review status: criteria provided, single submitter. Criteria: ICSL Variant Classification Criteria 13 December 2019. Collection method: clinical testing. Allele origin: germline.
Comment: This variant was observed in the ICSL laboratory as part of a predisposition screen in an ostensibly healthy population. It had not been previously curated by ICSL or reported in the Human Gene Mutation Database (HGMD: prior to June 1st, 2018), and was therefore a candidate for classification through an automated scoring system. Utilizing variant allele frequency, disease prevalence and penetrance estimates, and inheritance mode, an automated score was calculated to assess if this variant is too frequent to cause the disease. Based on the score and internal cut-off values, a variant classified as benign is not then subjected to further curation. The score for this variant resulted in a classification of benign for this disease.

GeneDx
Classification: Benign. Last evaluated: 2015-03-03. Review status: criteria provided, single submitter. Criteria: GeneDx Variant Classification Process June 2021. Collection method: clinical testing. Allele origin: germline. Affected: yes.

Breakthrough Genomics
Classification: Benign. Review status: criteria provided, single submitter. Criteria: ACMG Guidelines, 2015. Collection method: not provided. Allele origin: germline. Inheritance: Autosomal dominant inheritance. Affected: yes.